The following is an entry in ClinVar:

ClinVar aggregate classification (germline): Benign. Review status: criteria provided, multiple submitters, no conflicts (2 of 4 stars). 6 submissions from 6 submitters: Benign (4). 2 of the submissions do not count toward it. Last evaluated 2026-02-04.

Conditions:
Left ventricular noncompaction 8 (LVNC8). Identifiers: Orphanet 154, Orphanet 54260, MedGen C3809288, MONDO:0014152, OMIM 615373.

Allele frequency attached by ClinVar (database versions not stated): 1000 Genomes Project 0.10703; 1000 Genomes Project 30x 0.11071; gnomAD exomes 0.11328 and 0.13411; ESP Exome Variant Server 0.13828; gnomAD 0.13970 and 0.14355; TOPMed 0.14197; ExAC 0.21551.
gnomAD v4.1: 193,249 of 1,434,330 alleles (13%); highest among the groups gnomAD compares: Middle Eastern, 24%; 13,832 homozygotes.

Submissions (6):

Labcorp Genetics (formerly Invitae), Labcorp
Classification: Benign for Left ventricular noncompaction 8. Last evaluated: 2026-02-04. Review status: criteria provided, single submitter. Criteria: Invitae Variant Classification Sherloc (09022015). Collection method: clinical testing. Allele origin: germline.

Women's Health and Genetics/Laboratory Corporation of America, LabCorp
Classification: Benign. Last evaluated: 2023-04-10. Review status: criteria provided, single submitter. Criteria: LabCorp Variant Classification Summary - May 2015. Collection method: clinical testing. Allele origin: germline.

GeneDx
Classification: Benign. Last evaluated: 2016-09-23. Review status: criteria provided, single submitter. Criteria: GeneDx Variant Classification (06012015). Collection method: clinical testing. Allele origin: germline. Affected: yes.
Comment: This variant is considered likely benign or benign based on one or more of the following criteria: it is a conservative change, it occurs at a poorly conserved position in the protein, it is predicted to be benign by multiple in silico algorithms, and/or has population frequency not consistent with disease.

Breakthrough Genomics
Classification: Benign. Review status: criteria provided, single submitter. Criteria: ACMG Guidelines, 2015. Collection method: not provided. Allele origin: germline. Inheritance: Autosomal dominant inheritance. Affected: yes.

Clinical Genetics DNA and cytogenetics Diagnostics Lab, Erasmus MC, Erasmus Medical Center
Classification: Benign. Review status: no assertion criteria provided. Collection method: clinical testing. Allele origin: germline. Affected: yes. Study: VKGL Data-share Consensus. Not counted in ClinVar's aggregate classification.

Clinical Genetics, Academic Medical Center
Classification: Benign. Review status: no assertion criteria provided. Collection method: clinical testing. Allele origin: germline. Affected: yes. Study: VKGL Data-share Consensus. Not counted in ClinVar's aggregate classification.

NM_022114.4(PRDM16):c.2603+20C>T

Gene: PRDM16 (PR/SET domain 16; plus strand). Cytogenetic location: 1p36.32.
Variant type: single nucleotide variant.
Coding change: c.2603+20C>T on transcript NM_022114.4 (MANE Select); 20 bases into the intron after coding-DNA position 2603, C replaced by T.
Molecular consequence: intron variant.
Genome position (GRCh38, 1-based): chr1:3,412,820, C>T. VCF-style: chr1-3412820-C-T. GRCh37 (hg19) VCF-style: chr1-3329384-C-T.
Other names: c.2603+20C>T (NM_199454.3).
Identifiers: ClinVar variation 381194 (VCV000381194.13), dbSNP rs2493291, ClinGen allele CA544515.